The following is an entry in ClinVar:

NM_201384.3(PLEC):c.13577G>T (p.Gly4526Val)

Gene: PLEC (plectin; minus strand). Cytogenetic location: 8q24.3.
Variant type: single nucleotide variant.
Coding change: c.13577G>T on transcript NM_201384.3 (MANE Select); coding-DNA position 13577, G replaced by T.
Protein change: p.Gly4526Val; replaces glycine 4526 with valine.
Molecular consequence: missense variant.
Genome position (GRCh38, 1-based): chr8:143,916,244, C>A on the plus strand (G>T on the coding strand, the complement: PLEC is on the minus strand). VCF-style: chr8-143916244-C-A. GRCh37 (hg19) VCF-style: chr8-144990412-C-A.
Other names: c.13658G>T (NM_000445.4); c.13658G>T, p.Gly4553Val (NM_000445.5); c.10277G>T, p.Gly3426Val (NM_001410941.1); c.13535G>T, p.Gly4512Val (NM_201378.4); c.13511G>T, p.Gly4504Val (NM_201379.3); c.13988G>T, p.Gly4663Val (NM_201380.4); c.13481G>T, p.Gly4494Val (NM_201381.3); c.13577G>T, p.Gly4526Val (NM_201382.4); and 1 more; short protein forms G4530V, G4553V, G3426V, G4494V, G4663V, G4504V, G4512V, G4526V.
Identifiers: ClinVar variation 3420250 (VCV003420250.2).

ClinVar aggregate classification (germline): Uncertain significance. Review status: criteria provided, multiple submitters, no conflicts (2 of 4 stars). 2 submissions from 2 submitters: Uncertain significance (2). Last evaluated 2026-08-09.

Conditions:
PLEC-related disorder. Also called: PLEC-related disorders; PLEC-related condition.
Inborn genetic diseases. Identifiers: MedGen C0950123, MeSH D030342.

Submissions (2):

PreventionGenetics, part of Exact Sciences
Classification: Uncertain significance for PLEC-related condition. Last evaluated: 2026-08-09. Review status: criteria provided, single submitter. Criteria: ACMG Guidelines, 2015. Collection method: clinical testing. Allele origin: germline.
Comment: The PLEC c.13658G>T variant is predicted to result in the amino acid substitution p.Gly4553Val. To our knowledge, this variant has not been reported in the literature or in a large population database (gnomAD), indicating this variant is rare. At this time, the clinical significance of this variant is uncertain due to the absence of conclusive functional and genetic evidence.

Ambry Genetics
Classification: Uncertain significance for Inborn genetic diseases. Last evaluated: 2024-08-01. Review status: criteria provided, single submitter. Criteria: Ambry Variant Classification Scheme 2023. Collection method: clinical testing. Allele origin: germline.